The following is an entry in ClinVar:

NM_000901.5(NR3C2):c.*755A>C

Gene: NR3C2 (nuclear receptor subfamily 3 group C member 2; minus strand). Cytogenetic location: 4q31.23.
Variant type: single nucleotide variant.
Coding change: c.*755A>C on transcript NM_000901.5 (MANE Select); 755 bases downstream of the stop codon, A replaced by C.
Molecular consequence: 3 prime UTR variant. On other transcripts: non-coding transcript variant (1).
Genome position (GRCh38, 1-based): chr4:148,080,589, T>G on the plus strand (A>C on the coding strand, the complement: NR3C2 is on the minus strand). VCF-style: chr4-148080589-T-G. GRCh37 (hg19) VCF-style: chr4-149001740-T-G.
Other names: c.*755A>C (NM_001166104.2, NM_001354819.1).
Identifiers: ClinVar variation 347708 (VCV000347708.6), dbSNP rs5532, ClinGen allele CA10620226.

ClinVar aggregate classification (germline): Benign. Review status: criteria provided, multiple submitters, no conflicts (2 of 4 stars). 2 submissions from 2 submitters: Benign (2). Last evaluated 2018-01-13.

Conditions:
Autosomal dominant pseudohypoaldosteronism type 1. Also called: Pseudohypoaldosteronism, Type I, Autosomal Dominant; PHA I, AUTOSOMAL DOMINANT; Pseudohypoaldosteronism, Type I, Dominant. Identifiers: Orphanet 171871, Orphanet 756, MedGen C1449842, MONDO:0008329, OMIM 177735.

Allele frequency attached by ClinVar (database versions not stated): gnomAD exomes 0.00211; 1000 Genomes Project 0.00459; 1000 Genomes Project 30x 0.00531; gnomAD 0.00567 and 0.00590; TOPMed 0.00610.
gnomAD v4.1: 865 of 156,776 alleles (0.55%); highest among the groups gnomAD compares: African/African-American, 1.9%; 11 homozygotes.

Submissions (2):

Illumina Laboratory Services, Illumina
Classification: Benign for Autosomal dominant pseudohypoaldosteronism type 1. Last evaluated: 2018-01-13. Review status: criteria provided, single submitter. Criteria: ICSL Variant Classification Criteria 13 December 2019. Collection method: clinical testing. Allele origin: germline.
Comment: This variant was observed in the ICSL laboratory as part of a predisposition screen in an ostensibly healthy population. It had not been previously curated by ICSL or reported in the Human Gene Mutation Database (HGMD: prior to June 1st, 2018), and was therefore a candidate for classification through an automated scoring system. Utilizing variant allele frequency, disease prevalence and penetrance estimates, and inheritance mode, an automated score was calculated to assess if this variant is too frequent to cause the disease. Based on the score and internal cut-off values, a variant classified as benign is not then subjected to further curation. The score for this variant resulted in a classification of benign for this disease.

Breakthrough Genomics
Classification: Benign. Review status: criteria provided, single submitter. Criteria: ACMG Guidelines, 2015. Collection method: not provided. Allele origin: germline. Inheritance: Autosomal dominant inheritance. Affected: yes.